The following is an entry in ClinVar:

ClinVar aggregate classification (germline): Uncertain significance (1 of 4 stars; one submission).

Conditions:
Emery-Dreifuss muscular dystrophy 5, autosomal dominant (EDMD5). Also called: EMERY-DREIFUSS MUSCULAR DYSTROPHY 5. Identifiers: Orphanet 261, MedGen C2751805, MONDO:0013072, OMIM 612999.

Allele frequency attached by ClinVar (database versions not stated): gnomAD exomes below 0.00001 and 0.00001; ExAC 0.00002; TOPMed 0.00002; gnomAD 0.00003 and 0.00004.
gnomAD v4.1: 8 of 1,614,042 alleles (0.0005%); highest among the groups gnomAD compares: African/African-American, 0.0093%; no homozygotes.

Submission:

Labcorp Genetics (formerly Invitae), Labcorp
Classification: Uncertain significance for Emery-Dreifuss muscular dystrophy 5, autosomal dominant. Last evaluated: 2022-09-07. Review status: criteria provided, single submitter. Criteria: Invitae Variant Classification Sherloc (09022015). Collection method: clinical testing. Allele origin: germline.
Comment: In summary, the available evidence is currently insufficient to determine the role of this variant in disease. Therefore, it has been classified as a Variant of Uncertain Significance. Algorithms developed to predict the effect of missense changes on protein structure and function are either unavailable or do not agree on the potential impact of this missense change (SIFT: "Deleterious"; PolyPhen-2: "Possibly Damaging"; Align-GVGD: "Class C0"). ClinVar contains an entry for this variant (Variation ID: 1061623). This variant has not been reported in the literature in individuals affected with SYNE2-related conditions. The frequency data for this variant in the population databases is considered unreliable, as metrics indicate poor data quality at this position in the gnomAD database. This sequence change replaces leucine, which is neutral and non-polar, with serine, which is neutral and polar, at codon 3956 of the SYNE2 protein (p.Leu3956Ser).

NM_182914.3(SYNE2):c.11867T>C (p.Leu3956Ser)

Gene: SYNE2 (spectrin repeat containing nuclear envelope protein 2; plus strand). Cytogenetic location: 14q23.2.
Variant type: single nucleotide variant.
Coding change: c.11867T>C on transcript NM_182914.3 (MANE Select); coding-DNA position 11867, T replaced by C.
Protein change: p.Leu3956Ser; replaces leucine 3956 with serine.
Molecular consequence: missense variant.
Genome position (GRCh38, 1-based): chr14:64,090,939, T>C. VCF-style: chr14-64090939-T-C. GRCh37 (hg19) VCF-style: chr14-64557657-T-C.
Other names: c.11867T>C, p.Leu3956Ser (NM_015180.6); short protein forms L3956S.
Identifiers: ClinVar variation 1061623 (VCV001061623.9), dbSNP rs746480532, ClinGen allele CA7221937.